The following is an entry in ClinVar:

ClinVar aggregate classification (germline): Uncertain significance. Review status: criteria provided, multiple submitters, no conflicts (2 of 4 stars). 2 submissions from 2 submitters: Uncertain significance (2). Last evaluated 2026-01-16.

Conditions:
NRP2-related disorder. Also called: NRP2-related condition.

Allele frequency attached by ClinVar (database versions not stated): ExAC 0.00002; gnomAD exomes 0.00002; TOPMed 0.00003.
gnomAD v4.1: 34 of 1,614,246 alleles (0.0021%); highest among the groups gnomAD compares: Non-Finnish European, 0.0027%; no homozygotes.

Submissions (2):

PreventionGenetics, part of Exact Sciences
Classification: Uncertain significance for NRP2-related condition. Last evaluated: 2026-01-16. Review status: criteria provided, single submitter. Criteria: ACMG Guidelines, 2015. Collection method: clinical testing. Allele origin: germline.
Comment: The NRP2 c.1685G>A variant is predicted to result in the amino acid substitution p.Arg562Lys. To our knowledge, this variant has not been reported in the literature. This variant is reported in 0.0035% of alleles in individuals of European (Non-Finnish) descent in gnomAD. At this time, the clinical significance of this variant is uncertain due to the absence of conclusive functional and genetic evidence.

Ambry Genetics
Classification: Uncertain significance. Last evaluated: 2025-03-26. Review status: criteria provided, single submitter. Criteria: Ambry Variant Classification Scheme 2023. Collection method: clinical testing. Allele origin: germline.

NM_003872.3(NRP2):c.1685G>A (p.Arg562Lys)

Gene: NRP2 (neuropilin 2; plus strand). Cytogenetic location: 2q33.3.
Variant type: single nucleotide variant.
Coding change: c.1685G>A on transcript NM_003872.3 (MANE Select); coding-DNA position 1685, G replaced by A.
Protein change: p.Arg562Lys; replaces arginine 562 with lysine.
Molecular consequence: missense variant.
Genome position (GRCh38, 1-based): chr2:205,745,789, G>A. VCF-style: chr2-205745789-G-A. GRCh37 (hg19) VCF-style: chr2-206610513-G-A.
Other names: c.1685G>A, p.Arg562Lys (NM_018534.4, NM_201266.2, NM_201267.2 and 1 more transcripts); short protein forms R562K.
Identifiers: ClinVar variation 2628851 (VCV002628851.3), dbSNP rs759744241, ClinGen allele CA2069164.